The following is an entry in ClinVar:

NM_031892.3(SH3KBP1):c.1364C>T (p.Ser455Leu)

Gene: SH3KBP1 (SH3 domain containing kinase binding protein 1; minus strand). Cytogenetic location: Xp22.12.
Variant type: single nucleotide variant.
Coding change: c.1364C>T on transcript NM_031892.3 (MANE Select); coding-DNA position 1364, C replaced by T.
Protein change: p.Ser455Leu; replaces serine 455 with leucine.
Molecular consequence: missense variant.
Genome position (GRCh38, 1-based): chrX:19,569,123, G>A on the plus strand (C>T on the coding strand, the complement: SH3KBP1 is on the minus strand). VCF-style: chrX-19569123-G-A. GRCh37 (hg19) VCF-style: chrX-19587241-G-A.
Other names: c.1253C>T, p.Ser418Leu (NM_001024666.3); c.650C>T, p.Ser217Leu (NM_001184960.2, NM_001353897.2); c.1364C>T, p.Ser455Leu (NM_001353890.2); c.1439C>T, p.Ser480Leu (NM_001353891.2, NM_001353892.2); c.1262C>T, p.Ser421Leu (NM_001353893.2, NM_001353894.2); c.1319C>T, p.Ser440Leu (NM_001353895.2); c.1496C>T, p.Ser499Leu (NM_001410756.1, NM_001410757.1); c.1187C>T, p.Ser396Leu (NM_001410758.1); short protein forms S217L, S440L, S480L, S396L, S418L, S455L, S421L, S499L.
Identifiers: ClinVar variation 2888564 (VCV002888564.3), dbSNP rs776018734, ClinGen allele CA10364566.

ClinVar aggregate classification (germline): Uncertain significance (1 of 4 stars; one submission).

Allele frequency attached by ClinVar (database versions not stated): gnomAD exomes below 0.00001; ExAC 0.00001.
gnomAD v4.1: 2 of 1,210,367 alleles (0.00017%); highest among the groups gnomAD compares: Non-Finnish European, 0.00022%; no homozygotes.

Submission:

Labcorp Genetics (formerly Invitae), Labcorp
Classification: Uncertain significance. Last evaluated: 2023-12-15. Review status: criteria provided, single submitter. Criteria: Invitae Variant Classification Sherloc (09022015). Collection method: clinical testing. Allele origin: germline.
Comment: This sequence change replaces serine, which is neutral and polar, with leucine, which is neutral and non-polar, at codon 455 of the SH3KBP1 protein (p.Ser455Leu). This variant is present in population databases (rs776018734, gnomAD 0.001%). This variant has not been reported in the literature in individuals affected with SH3KBP1-related conditions. Advanced modeling of protein sequence and biophysical properties (such as structural, functional, and spatial information, amino acid conservation, physicochemical variation, residue mobility, and thermodynamic stability) performed at Invitae indicates that this missense variant is not expected to disrupt SH3KBP1 protein function with a negative predictive value of 80%. In summary, the available evidence is currently insufficient to determine the role of this variant in disease. Therefore, it has been classified as a Variant of Uncertain Significance.